The following is an entry in ClinVar:

NM_032119.4(ADGRV1):c.10927_10928del (p.Thr3643fs)

Gene: ADGRV1 (adhesion G protein-coupled receptor V1; plus strand). Cytogenetic location: 5q14.3.
Variant type: Deletion.
Coding change: c.10927_10928del on transcript NM_032119.4 (MANE Select); coding-DNA positions 10927 to 10928, 2 bases deleted (AC; older notation c.10927_10928delAC).
Protein change: p.Thr3643fs; shifts the reading frame from threonine 3643.
Molecular consequence: frameshift variant. On other transcripts: non-coding transcript variant (1).
Genome position (GRCh38, 1-based): chr5:90,745,748-90,745,749, AC deleted. VCF-style (leftmost placement, unchanged base first): chr5-90745747-AAC-A. GRCh37 (hg19) VCF-style: chr5-90041564-AAC-A.
Other names: short protein forms T3643fs.
Identifiers: ClinVar variation 2749016 (VCV002749016.3), dbSNP rs2531547578, ClinGen allele CA2697546241.

ClinVar aggregate classification (germline): Pathogenic (1 of 4 stars; one submission).

Submission:

Labcorp Genetics (formerly Invitae), Labcorp
Classification: Pathogenic. Last evaluated: 2023-08-01. Review status: criteria provided, single submitter. Criteria: Invitae Variant Classification Sherloc (09022015). Collection method: clinical testing. Allele origin: germline.
Comment: This sequence change creates a premature translational stop signal (p.Thr3643Hisfs*4) in the ADGRV1 gene. It is expected to result in an absent or disrupted protein product. Loss-of-function variants in ADGRV1 are known to be pathogenic (PMID: 19357117, 22135276, 22147658, 26226137, 30718709, 31047384, 32467589). This variant has not been reported in the literature in individuals affected with ADGRV1-related conditions. This variant is not present in population databases (gnomAD no frequency). For these reasons, this variant has been classified as Pathogenic.

Literature cited by the submitters: PubMed 19357117; PubMed 22135276; PubMed 22147658; PubMed 26226137; PubMed 30718709; PubMed 31047384; PubMed 32467589.